The following is an entry in ClinVar:

ClinVar aggregate classification (germline): Conflicting classifications of pathogenicity. Review status: criteria provided, conflicting classifications (1 of 4 stars). 10 submissions from 10 submitters: Likely pathogenic (4); Uncertain significance (5). 1 of the submissions does not count toward it. Last evaluated 2026-07-27.

Conditions:
CACNA2D4-related disorder. Also called: CACNA2D4-related condition.
Retinal cone dystrophy 4 (RCD4). Identifiers: Orphanet 1872, MedGen C1864849, MONDO:0012507, OMIM 610478.
Retinal disorder. Also called: Retinopathies; Retinal Diseases; Retinopathy; Retinal disorders. Identifiers: MedGen C0035309, MONDO:0005283, HP:0000488.

Allele frequency attached by ClinVar (database versions not stated): ExAC 0.00041; gnomAD 0.00055 and 0.00057; TOPMed 0.00055.
gnomAD v4.1: 1,368 of 1,613,336 alleles (0.085%); highest among the groups gnomAD compares: Non-Finnish European, 0.11%; no homozygotes.

Submissions (10):

GeneDx
Classification: Likely pathogenic. Last evaluated: 2026-07-27. Review status: criteria provided, single submitter. Criteria: GeneDx Variant Classification Process June 2021. Collection method: clinical testing. Allele origin: germline.
Comment: Nonsense variant predicted to result in protein truncation or nonsense mediated decay in a gene for which loss-of-function is a known mechanism of disease; This variant is associated with the following publications: (PMID: 31964843, 26218913, 31980526, 32967234, 32607809, 36361866, 34262361, 40883544, 17033974, 31345219, 36460718)

Genetics Laboratory, Great Ormond Street Hospital NHS Foundation Trust, North Thames Genomic Laboratory Hub
Classification: Uncertain significance for Retinal disorders. Last evaluated: 2026-05-05. Review status: criteria provided, single submitter. Criteria: ACGS Best Practice Guidelines for Variant Classification in Rare Disease 2024 v1.2. Collection method: clinical testing. Allele origin: germline. Affected: yes.
Comment: PVS1_very-strong

Labcorp Genetics (formerly Invitae), Labcorp
Classification: Uncertain significance. Last evaluated: 2026-01-23. Review status: criteria provided, single submitter. Criteria: Invitae Variant Classification Sherloc (09022015). Collection method: clinical testing. Allele origin: germline.
Comment: This sequence change creates a premature translational stop signal (p.Tyr802*) in the CACNA2D4 gene. It is expected to result in an absent or disrupted protein product. However, the current clinical and genetic evidence is not sufficient to establish whether loss-of-function variants in CACNA2D4 cause disease. This variant is present in population databases (rs71454844, gnomAD 0.08%), and has an allele count higher than expected for a pathogenic variant. This premature translational stop signal has been observed in individual(s) with CACNA2D4-related conditions (PMID: 17033974, 36460718). ClinVar contains an entry for this variant (Variation ID: 2504). In summary, the available evidence is currently insufficient to determine the role of this variant in disease. Therefore, it has been classified as a Variant of Uncertain Significance.

Dasa
Classification: Likely pathogenic. Last evaluated: 2025-12-24. Review status: criteria provided, single submitter. Criteria: DASA Assertion Criteria. Collection method: clinical testing. Allele origin: germline.
Comment: NM_172364.5(CACNA2D4):c.2406C>A (p.Tyr802*) is a nonsense variant in CACNA2D4 predicted to introduce a premature termination codon and is predicted to result in an absent or altered protein product. Loss of function is an established disease mechanism for CACNA2D4-associated disorders. Segregation data support an association with disease in the reported family/families (PMID: 17033974). This variant has been reported in individuals with CACNA2D4-related disorders (PMID: 17033974). Also, this variant is rare in population databases. Based on the currently available evidence, this variant is classified as likely pathogenic.

PreventionGenetics, part of Exact Sciences
Classification: Uncertain significance for CACNA2D4-related condition. Last evaluated: 2025-10-29. Review status: criteria provided, single submitter. Criteria: ACMG Guidelines, 2015. Collection method: clinical testing. Allele origin: germline.
Comment: The CACNA2D4 c.2406C>A variant is predicted to result in premature protein termination (p.Tyr802*). This variant has been reported in the homozygous state in two siblings with a mild, progressive cone dystrophy; it was found to be heterozygous in an unaffected parent and absent from two additional unaffected siblings (Wycisk et al. 2006. PubMed ID: 17033974). This variant has also been reported in an individual with an inherited retinal disease as part of a genetically solved cohort, although no additional details were provided (Table S1, Karali et al. 2022. PubMed ID: 36460718). This variant is present in 0.078% of alleles in individuals of European (non-Finnish) descent in gnomAD. Predicted loss of function variants, such as this nonsense variant, in CACNA2D4 are not currently an established mechanism of disease. Therefore, although we suspect that this variant may be pathogenic, at this time, the clinical significance of this variant is uncertain due to the absence of conclusive functional and genetic evidence.

Women's Health and Genetics/Laboratory Corporation of America, LabCorp
Classification: Uncertain significance. Last evaluated: 2025-07-30. Review status: criteria provided, single submitter. Criteria: LabCorp Variant Classification Summary - May 2015. Collection method: clinical testing. Allele origin: germline.
Comment: Variant summary: CACNA2D4 c.2406C>A (p.Tyr802X) results in a premature termination codon, predicted to cause a truncation of the encoded protein or absence of the protein due to nonsense mediated decay, however current evidence is not sufficient to establish loss of function as a mechanism for disease. The variant allele was found at a frequency of 0.00041 in 247676 control chromosomes. This frequency is not significantly higher than estimated for a pathogenic variant in CACNA2D4 causing Retinal Cone Dystrophy 4, allowing no conclusion about variant significance. c.2406C>A has been observed in individual(s) affected with CACNA2D4-related conditions (examples: Wycisk_2006, Karali_2022). These report(s) do not provide unequivocal conclusions about association of the variant with Retinal Cone Dystrophy 4. To our knowledge, no experimental evidence demonstrating an impact on protein function has been reported. The following publications have been ascertained in the context of this evaluation (PMID: 36460718, 17033974). ClinVar contains an entry for this variant (Variation ID: 2504). Based on the evidence outlined above, the variant was classified as uncertain significance.

Revvity Omics, Revvity
Classification: Likely pathogenic for Retinal cone dystrophy 4. Last evaluated: 2025-03-19. Review status: criteria provided, single submitter. Criteria: ACMG Guidelines, 2015. Collection method: clinical testing. Allele origin: germline.

Blueprint Genetics
Classification: Likely pathogenic for CACNA2D4-related disorders. Last evaluated: 2024-09-11. Review status: criteria provided, single submitter. Criteria: ACMG Guidelines, 2015. Collection method: clinical testing. Allele origin: germline. Affected: yes. Observed: 5 variant alleles.

Laboratory for Molecular Medicine, Mass General Brigham Personalized Medicine
Classification: Uncertain significance. Last evaluated: 2018-11-20. Review status: criteria provided, single submitter. Criteria: LMM Criteria. Collection method: clinical testing. Allele origin: germline. Observed: 1 variant allele.
Comment: Variant classified as Uncertain Significance - Favor Pathogenic.

OMIM
Classification: Pathogenic for RETINAL CONE DYSTROPHY 4. Last evaluated: 2006-11-01. Review status: no assertion criteria provided. Collection method: literature only. Allele origin: germline. Not counted in ClinVar's aggregate classification.

Literature cited by the submitters: PubMed 17033974 (cited by 5 submitters); PubMed 36460718 (cited by Labcorp Genetics (formerly Invitae), Labcorp and Women's Health and Genetics/Laboratory Corporation of America, LabCorp).

NM_172364.5(CACNA2D4):c.2406C>A (p.Tyr802Ter)

Gene: CACNA2D4 (calcium voltage-gated channel auxiliary subunit alpha2delta 4; minus strand). Cytogenetic location: 12p13.33.
Variant type: single nucleotide variant.
Coding change: c.2406C>A on transcript NM_172364.5 (MANE Select); coding-DNA position 2406, C replaced by A.
Protein change: p.Tyr802Ter; replaces tyrosine 802 with a stop codon.
Molecular consequence: nonsense.
Genome position (GRCh38, 1-based): chr12:1,844,466, G>T on the plus strand (C>A on the coding strand, the complement: CACNA2D4 is on the minus strand). VCF-style: chr12-1844466-G-T. GRCh37 (hg19) VCF-style: chr12-1953632-G-T.
Other names: short protein forms Y802*.
Identifiers: ClinVar variation 2504 (VCV000002504.32), dbSNP rs71454844, ClinGen allele CA115580.